The following is an entry in ClinVar:

NM_004385.5(VCAN):c.5953G>A (p.Asp1985Asn)

Genes: VCAN (versican; plus strand), VCAN-AS1 (VCAN antisense RNA 1; minus strand). Cytogenetic location: 5q14.3.
Variant type: single nucleotide variant.
Coding change: c.5953G>A on transcript NM_004385.5 (MANE Select); coding-DNA position 5953, G replaced by A.
Protein change: p.Asp1985Asn; replaces aspartic acid 1985 with asparagine.
Molecular consequence: missense variant. On other transcripts: intron variant (2).
Genome position (GRCh38, 1-based): chr5:83,538,956, G>A. VCF-style: chr5-83538956-G-A. GRCh37 (hg19) VCF-style: chr5-82834775-G-A.
Other names: c.2992G>A, p.Asp998Asn (NM_001164097.2); c.4004-6581G>A (NM_001164098.2); c.1043-6581G>A (NM_001126336.3); c.5953G>A (NM_004385.4); short protein forms D998N, D1985N.
Identifiers: ClinVar variation 1036155 (VCV001036155.11), dbSNP rs1207964185, ClinGen allele CA360311513.
Genomic context (GRCh38, chr5:83,538,956, plus strand): 5'-AGGGACACCCAGACTTCACCATCTACAGTACCTACTTCAGTTCACATCAGTCACATATCT[G>A]ACTCAGAAGGACCCAGTAGCACCATGGTCAGCACTTCAGCCTTCCCCTGGGAAGAGTTTA-3'
Protein context (NP_004376.2, residues 1975-1995): PTSVHISHIS[Asp1985Asn]SEGPSSTMVS

ClinVar aggregate classification (germline): Uncertain significance. Review status: criteria provided, multiple submitters, no conflicts (2 of 4 stars). 4 submissions from 4 submitters: Uncertain significance (4). Last evaluated 2025-08-06.

Conditions:
Inborn genetic diseases. Identifiers: MedGen C0950123, MeSH D030342.
VCAN-related disorder. Also called: VCAN-related condition.

Allele frequency attached by ClinVar (database versions not stated): gnomAD exomes 0.00001; TOPMed 0.00002; gnomAD 0.00003.
gnomAD v4.1: 18 of 1,613,892 alleles (0.0011%); highest among the groups gnomAD compares: African/African-American, 0.004%; no homozygotes.

Submissions (4):

Ambry Genetics
Classification: Uncertain significance for Inborn genetic diseases. Last evaluated: 2025-08-06. Review status: criteria provided, single submitter. Criteria: Ambry Variant Classification Scheme 2023. Collection method: clinical testing. Allele origin: germline.

PreventionGenetics, part of Exact Sciences
Classification: Uncertain significance for VCAN-related condition. Last evaluated: 2024-12-11. Review status: criteria provided, single submitter. Criteria: ACMG Guidelines, 2015. Collection method: clinical testing. Allele origin: germline.
Comment: The VCAN c.5953G>A variant is predicted to result in the amino acid substitution p.Asp1985Asn. To our knowledge, this variant has not been reported in the literature. This variant is reported in 0.0065% of alleles in individuals of European (Non-Finnish) descent in gnomAD. At this time, the clinical significance of this variant is uncertain due to the absence of conclusive functional and genetic evidence.

Labcorp Genetics (formerly Invitae), Labcorp
Classification: Uncertain significance. Last evaluated: 2024-06-20. Review status: criteria provided, single submitter. Criteria: Invitae Variant Classification Sherloc (09022015). Collection method: clinical testing. Allele origin: germline.
Comment: This sequence change replaces aspartic acid, which is acidic and polar, with asparagine, which is neutral and polar, at codon 1985 of the VCAN protein (p.Asp1985Asn). This variant is present in population databases (no rsID available, gnomAD 0.007%). This variant has not been reported in the literature in individuals affected with VCAN-related conditions. ClinVar contains an entry for this variant (Variation ID: 1036155). Algorithms developed to predict the effect of missense changes on protein structure and function output the following: SIFT: "Not Available"; PolyPhen-2: "Benign"; Align-GVGD: "Not Available". The asparagine amino acid residue is found in multiple mammalian species, which suggests that this missense change does not adversely affect protein function. In summary, the available evidence is currently insufficient to determine the role of this variant in disease. Therefore, it has been classified as a Variant of Uncertain Significance.

Blueprint Genetics
Classification: Uncertain significance. Last evaluated: 2022-05-02. Review status: criteria provided, single submitter. Criteria: ACMG Guidelines, 2015. Collection method: clinical testing. Allele origin: germline.